The following is an entry in ClinVar:

NM_000526.5(KRT14):c.54C>A (p.Cys18Ter)

Gene: KRT14 (keratin 14; minus strand). Cytogenetic location: 17q21.2.
Variant type: single nucleotide variant.
Coding change: c.54C>A on transcript NM_000526.5 (MANE Select); coding-DNA position 54, C replaced by A.
Protein change: p.Cys18Ter; replaces cysteine 18 with a stop codon.
Molecular consequence: nonsense.
Genome position (GRCh38, 1-based): chr17:41,586,781, G>T on the plus strand (C>A on the coding strand, the complement: KRT14 is on the minus strand). VCF-style: chr17-41586781-G-T. GRCh37 (hg19) VCF-style: chr17-39743033-G-T.
Other names: short protein forms C18*.
Identifiers: ClinVar variation 14626 (VCV000014626.10), dbSNP rs60831116, ClinGen allele CA124159.

ClinVar aggregate classification (germline): Uncertain significance. Review status: criteria provided, single submitter (1 of 4 stars). 3 submissions from 3 submitters: Uncertain significance (1). 2 of the submissions do not count toward it. Last evaluated 2025-10-29.

Conditions:
Dermatopathia pigmentosa reticularis (DPR). Identifiers: Orphanet 86920, MedGen C0406778, MONDO:0007445, OMIM 125595.

gnomAD v4.1: 1 of 1,588,064 alleles (0.000063%); highest among the groups gnomAD compares: Non-Finnish European, 0.000086%; no homozygotes.

Submissions (3):

Labcorp Genetics (formerly Invitae), Labcorp
Classification: Uncertain significance. Last evaluated: 2025-10-29. Review status: criteria provided, single submitter. Criteria: Invitae Variant Classification Sherloc (09022015). Collection method: clinical testing. Allele origin: germline.
Comment: This sequence change creates a premature translational stop signal (p.Cys18*) in the KRT14 gene. However, it is currently unclear if variants that occur in this region of the gene cause disease. The frequency data for this variant in the population databases is considered unreliable, as metrics indicate poor data quality at this position in the gnomAD database. This premature translational stop signal has been observed in individuals with autosomal dominant KRT14- related conditions (PMID: 303619, 16960809, 32282935; internal data). It has also been observed to segregate with disease in related individuals. ClinVar contains an entry for this variant (Variation ID: 14626). Experimental studies and prediction algorithms are not available or were not evaluated, and the functional significance of this variant is currently unknown. In summary, the available evidence is currently insufficient to determine the role of this variant in disease. Therefore, it has been classified as a Variant of Uncertain Significance.

OMIM
Classification: Pathogenic for DERMATOPATHIA PIGMENTOSA RETICULARIS (1 family). Last evaluated: 2006-10-01. Review status: no assertion criteria provided. Collection method: literature only. Allele origin: germline. Not counted in ClinVar's aggregate classification.

Epithelial Biology;  Institute of Medical Biology, Singapore
No classification provided. Review status: no classification provided. Collection method: not provided. Allele origin: not provided. Not counted in ClinVar's aggregate classification.

Literature cited by the submitters: PubMed 303619 (cited by Labcorp Genetics (formerly Invitae), Labcorp); PubMed 16960809 (cited by Labcorp Genetics (formerly Invitae), Labcorp and OMIM); PubMed 32282935 (cited by Labcorp Genetics (formerly Invitae), Labcorp); PubMed 1303619 (cited by OMIM).